The following is an entry in ClinVar:

ClinVar aggregate classification (germline): Uncertain significance. Review status: criteria provided, multiple submitters, no conflicts (2 of 4 stars). 3 submissions from 3 submitters: Uncertain significance (3). Last evaluated 2025-06-07.

Conditions:
Inborn genetic diseases. Identifiers: MedGen C0950123, MeSH D030342.
Nemaline myopathy 6 (NEM6). Also called: Nemaline myopathy 6, autosomal dominant. Identifiers: Orphanet 171439, MedGen C1836472, MONDO:0012237, OMIM 609273.

Allele frequency attached by ClinVar (database versions not stated): TOPMed below 0.00001; gnomAD 0.00001; gnomAD exomes 0.00001.
gnomAD v4.1: 12 of 1,583,492 alleles (0.00076%); highest among the groups gnomAD compares: East Asian, 0.0023%; no homozygotes.

Submissions (3):

Ambry Genetics
Classification: Uncertain significance for Inborn genetic diseases. Last evaluated: 2025-06-07. Review status: criteria provided, single submitter. Criteria: Ambry Variant Classification Scheme 2023. Collection method: clinical testing. Allele origin: germline.

Labcorp Genetics (formerly Invitae), Labcorp
Classification: Uncertain significance for Nemaline myopathy 6. Last evaluated: 2024-02-11. Review status: criteria provided, single submitter. Criteria: Invitae Variant Classification Sherloc (09022015). Collection method: clinical testing. Allele origin: germline.
Comment: This sequence change replaces arginine, which is basic and polar, with cysteine, which is neutral and slightly polar, at codon 306 of the KBTBD13 protein (p.Arg306Cys). The frequency data for this variant in the population databases is considered unreliable, as metrics indicate poor data quality at this position in the gnomAD database. This variant has not been reported in the literature in individuals affected with KBTBD13-related conditions. ClinVar contains an entry for this variant (Variation ID: 1306282). Advanced modeling of protein sequence and biophysical properties (such as structural, functional, and spatial information, amino acid conservation, physicochemical variation, residue mobility, and thermodynamic stability) performed at Invitae indicates that this missense variant is not expected to disrupt KBTBD13 protein function with a negative predictive value of 80%. In summary, the available evidence is currently insufficient to determine the role of this variant in disease. Therefore, it has been classified as a Variant of Uncertain Significance.

GeneDx
Classification: Uncertain significance. Last evaluated: 2019-06-05. Review status: criteria provided, single submitter. Criteria: GeneDx Variant Classification Process June 2021. Collection method: clinical testing. Allele origin: germline. Affected: yes.
Comment: In silico analysis, which includes protein predictors and evolutionary conservation, supports a deleterious effect; Has not been previously published as pathogenic or benign to our knowledge

NM_001101362.3(KBTBD13):c.916C>T (p.Arg306Cys)

Gene: KBTBD13 (kelch repeat and BTB domain containing 13; plus strand). Cytogenetic location: 15q22.31.
Variant type: single nucleotide variant.
Coding change: c.916C>T on transcript NM_001101362.3 (MANE Select); coding-DNA position 916, C replaced by T.
Protein change: p.Arg306Cys; replaces arginine 306 with cysteine.
Molecular consequence: missense variant.
Genome position (GRCh38, 1-based): chr15:65,077,731, C>T. VCF-style: chr15-65077731-C-T. GRCh37 (hg19) VCF-style: chr15-65370069-C-T.
Other names: short protein forms R306C.
Identifiers: ClinVar variation 1306282 (VCV001306282.5), dbSNP rs748475145, ClinGen allele CA7614022.
Genomic context (GRCh38, chr15:65,077,731, plus strand): 5'-AGTTTCGTGGCCGACCTGCCGCAGCCGGCCGCCGGCGTGCCCTGCGCCCAGGCTTGTGGC[C>T]GTCTCTTCGTGTGCCTGTGGCGGCCGGCCGACACCACCGCCGTGGTGGAGTACGCAGTGC-3'
Protein context (NP_001094832.1, residues 296-316): AGVPCAQACG[Arg306Cys]LFVCLWRPAD